The following is an entry in ClinVar:

NM_021922.3(FANCE):c.94G>A (p.Ala32Thr)

Genes: FANCE (FA complementation group E; plus strand), LOC129996245 (ATAC-STARR-seq lymphoblastoid silent region 17092; plus strand). Cytogenetic location: 6p21.31.
Variant type: single nucleotide variant.
Coding change: c.94G>A on transcript NM_021922.3 (MANE Select); coding-DNA position 94, G replaced by A.
Protein change: p.Ala32Thr; replaces alanine 32 with threonine.
Molecular consequence: missense variant.
Genome position (GRCh38, 1-based): chr6:35,452,639, G>A. VCF-style: chr6-35452639-G-A. GRCh37 (hg19) VCF-style: chr6-35420416-G-A.
Other names: short protein forms A32T.
Identifiers: ClinVar variation 134332 (VCV000134332.1), dbSNP rs587778336, ClinGen allele CA159525.
Genomic context (GRCh38, chr6:35,452,639, plus strand): 5'-GAGGGCGTGGAGCCGGCGCCCTGGGCGCAGCTGGAGGCCCCCGCCCGCCTCCTGCTGCAG[G>A]CGCTGCAGGCGGGGCCTGAGGGGGCGCGGCGCGGCCTGGGGGTGCTCCGGGCGCTGGGCA-3'
Protein context (NP_068741.1, residues 22-42): LEAPARLLLQ[Ala32Thr]LQAGPEGARR

ClinVar aggregate classification (germline): not provided (0 of 4 stars; one submission).

Allele frequency attached by ClinVar (database versions not stated): gnomAD 0.00001; TOPMed 0.00002.

Submission:

ITMI
No classification provided. Condition: AllHighlyPenetrant. Last evaluated: 2013-09-19. Review status: no classification provided. Collection method: reference population. Allele origin: germline.
Comment: Please see associated publication for description of ethnicities

Literature cited by the submitters: PubMed 24728327.